The following is an entry in ClinVar:

ClinVar aggregate classification (germline): Likely benign (1 of 4 stars; one submission).

Submission:

CeGaT Center for Human Genetics Tuebingen
Classification: Likely benign. Last evaluated: 2024-07-01. Review status: criteria provided, single submitter. Criteria: CeGaT Center For Human Genetics Tuebingen Variant Classification Criteria Version 2. Collection method: clinical testing. Allele origin: germline. Affected: yes. Observed: 1 variant allele.
Comment: NACA: BP4, BP7

NM_001365896.1(NACA):c.3402C>T (p.Pro1134=)

Gene: NACA (nascent polypeptide associated complex subunit alpha; minus strand). Cytogenetic location: 12q13.3.
Variant type: single nucleotide variant.
Coding change: c.3402C>T on transcript NM_001365896.1 (MANE Select); coding-DNA position 3402, C replaced by T.
Protein change: p.Pro1134=; no amino-acid change (proline 1134 retained).
Molecular consequence: synonymous variant. On other transcripts: intron variant (6).
Genome position (GRCh38, 1-based): chr12:56,718,128, G>A on the plus strand (C>T on the coding strand, the complement: NACA is on the minus strand). VCF-style: chr12-56718128-G-A. GRCh37 (hg19) VCF-style: chr12-57111912-G-A.
Other names: c.71-3441C>T (NM_001113201.3, NM_001113202.2, NM_001320194.2 and 2 more transcripts); c.1864+1409C>T (NM_001113203.3).
Identifiers: ClinVar variation 3257641 (VCV003257641.17).